The following is an entry in ClinVar:

NM_152327.5(AK7):c.288G>A (p.Thr96=)

Gene: AK7 (adenylate kinase 7; plus strand). Cytogenetic location: 14q32.2.
Variant type: single nucleotide variant.
Coding change: c.288G>A on transcript NM_152327.5 (MANE Select); coding-DNA position 288, G replaced by A.
Protein change: p.Thr96=; no amino-acid change (threonine 96 retained).
Molecular consequence: synonymous variant.
Genome position (GRCh38, 1-based): chr14:96,398,257, G>A. VCF-style: chr14-96398257-G-A. GRCh37 (hg19) VCF-style: chr14-96864594-G-A.
Other names: c.288G>A, p.Thr96= (NM_001350888.2, NM_001350890.2, NM_001350891.2 and 1 more transcripts); c.288G>A (NM_152327.3).
Identifiers: ClinVar variation 1667106 (VCV001667106.9), dbSNP rs757482469, ClinGen allele CA7337402.
Genomic context (GRCh38, chr14:96,398,257, plus strand): 5'-CCAGATTGTGGGCACGCTGTCCAAGCCTGACAGCCCGCGGCCTGACTTTGCGGTGGAGAC[G>A]TACTCTGTAAGTCCCGGAGGCTCTGGCCAGGAGTAGACAGAGGGAAGAGTCACCTTCCGC-3'
Protein context (NP_689540.2, residues 86-106): DSPRPDFAVE[Thr96=]YSAISREDLL

ClinVar aggregate classification (germline): Likely benign. Review status: criteria provided, multiple submitters, no conflicts (2 of 4 stars). 2 submissions from 2 submitters: Likely benign (2). Last evaluated 2026-01-17.

Conditions:
AK7-related disorder. Also called: AK7-related condition.

Allele frequency attached by ClinVar (database versions not stated): gnomAD exomes 0.00012; gnomAD 0.00013 and 0.00014; ExAC 0.00016; TOPMed 0.00016.
gnomAD v4.1: 218 of 1,612,690 alleles (0.014%); highest among the groups gnomAD compares: Admixed American, 0.02%; no homozygotes.

Submissions (2):

Labcorp Genetics (formerly Invitae), Labcorp
Classification: Likely benign. Last evaluated: 2026-01-17. Review status: criteria provided, single submitter. Criteria: Invitae Variant Classification Sherloc (09022015). Collection method: clinical testing. Allele origin: germline.

PreventionGenetics, part of Exact Sciences
Classification: Likely benign for AK7-related condition. Last evaluated: 2025-09-04. Review status: criteria provided, single submitter. Criteria: ACMG Guidelines, 2015. Collection method: clinical testing. Allele origin: germline.
Comment: This variant is classified as likely benign based on ACMG/AMP sequence variant interpretation guidelines (Richards et al. 2015 PMID: 25741868, with internal and published modifications).